The following is an entry in ClinVar:

ClinVar aggregate classification (germline): Uncertain significance (1 of 4 stars; one submission).

Submission:

Ambry Genetics
Classification: Uncertain significance. Last evaluated: 2024-02-16. Review status: criteria provided, single submitter. Criteria: Ambry Variant Classification Scheme 2023. Collection method: clinical testing. Allele origin: germline.
Comment: The p.S1240C variant (also known as c.3719C>G), located in coding exon 7 of the MLH3 gene, results from a C to G substitution at nucleotide position 3719. The serine at codon 1240 is replaced by cysteine, an amino acid with dissimilar properties. This amino acid position is conserved. In addition, the in silico prediction for this alteration is inconclusive. Based on the available evidence, the clinical significance of this alteration remains unclear.

NM_001040108.2(MLH3):c.3719C>G (p.Ser1240Cys)

Gene: MLH3 (mutL homolog 3; minus strand). Cytogenetic location: 14q24.3.
Variant type: single nucleotide variant.
Coding change: c.3719C>G on transcript NM_001040108.2 (MANE Select); coding-DNA position 3719, C replaced by G.
Protein change: p.Ser1240Cys; replaces serine 1240 with cysteine.
Molecular consequence: missense variant.
Genome position (GRCh38, 1-based): chr14:75,032,176, G>C on the plus strand (C>G on the coding strand, the complement: MLH3 is on the minus strand). VCF-style: chr14-75032176-G-C. GRCh37 (hg19) VCF-style: chr14-75498879-G-C.
Other names: c.3647C>G, p.Ser1216Cys (NM_014381.3); short protein forms S1216C, S1240C.
Identifiers: ClinVar variation 3232555 (VCV003232555.1), dbSNP rs2139402131, ClinGen allele CA390425100.